The following is an entry in ClinVar:

NM_007055.4(POLR3A):c.490+1G>A

Genes: POLR3A (RNA polymerase III subunit A; minus strand), LOC126860971 (CDK7 strongly-dependent group 2 enhancer GRCh37_chr10:79784551-79785750; plus strand). Cytogenetic location: 10q22.3.
Variant type: single nucleotide variant.
Coding change: c.490+1G>A on transcript NM_007055.4 (MANE Select); the canonical splice donor site of the intron after coding-DNA position 490, G replaced by A.
Molecular consequence: splice donor variant.
Genome position (GRCh38, 1-based): chr10:78,024,970, C>T on the plus strand (G>A on the coding strand, the complement: POLR3A is on the minus strand). VCF-style: chr10-78024970-C-T. GRCh37 (hg19) VCF-style: chr10-79784728-C-T.
Identifiers: ClinVar variation 619036 (VCV000619036.2), dbSNP rs1564623882, ClinGen allele CA377346347.

ClinVar aggregate classification (germline): Pathogenic. Review status: criteria provided, single submitter (1 of 4 stars). 2 submissions from 2 submitters: Pathogenic (1). 1 of the submissions does not count toward it. Last evaluated 2018-10-01.

Conditions:
Neonatal pseudo-hydrocephalic progeroid syndrome. Also called: Wiedemann-Rautenstrauch syndrome. Identifiers: Orphanet 3455, MedGen C0406586, MONDO:0009910, OMIM 264090.

Submissions (2):

Cole/Wambach Lab, Washington University in St. Louis
Classification: Pathogenic for Neonatal pseudo-hydrocephalic progeroid syndrome. Last evaluated: 2018-10-01. Review status: criteria provided, single submitter. Criteria: ACMG Guidelines, 2015. Collection method: research. Allele origin: inherited. Affected: yes. Observed: 1 variant allele.
Comment: in trans with c.3337-5T>A

University of Washington Center for Mendelian Genomics, University of Washington
Classification: Likely pathogenic for Wiedemann-Rautenstrauch Syndrome. Review status: no assertion criteria provided. Collection method: research. Allele origin: inherited. Affected: yes. Not counted in ClinVar's aggregate classification.

Literature cited by the submitters: PubMed 30414627 (cited by Cole/Wambach Lab, Washington University in St. Louis and University of Washington Center for Mendelian Genomics, University of Washington).